The following is an entry in ClinVar:

ClinVar aggregate classification (germline): Likely benign (1 of 4 stars; one submission).

gnomAD v4.1: 20 of 1,613,836 alleles (0.0012%); highest among the groups gnomAD compares: South Asian, 0.011%; 1 homozygote.

Submission:

CeGaT Center for Human Genetics Tuebingen
Classification: Likely benign. Last evaluated: 2025-02-01. Review status: criteria provided, single submitter. Criteria: CeGaT Center For Human Genetics Tuebingen Variant Classification Criteria Version 2. Collection method: clinical testing. Allele origin: germline. Affected: yes. Observed: 1 variant allele.
Comment: ERBB3: BP4

NM_001982.4(ERBB3):c.2938-7G>A

Gene: ERBB3 (erb-b2 receptor tyrosine kinase 3; plus strand). Cytogenetic location: 12q13.2.
Variant type: single nucleotide variant.
Coding change: c.2938-7G>A on transcript NM_001982.4 (MANE Select); 7 bases into the intron before coding-DNA position 2938, G replaced by A.
Molecular consequence: intron variant.
Genome position (GRCh38, 1-based): chr12:56,099,831, G>A. VCF-style: chr12-56099831-G-A. GRCh37 (hg19) VCF-style: chr12-56493615-G-A.
Identifiers: ClinVar variation 3771771 (VCV003771771.13).